The following is an entry in ClinVar:

NM_001267550.2(TTN):c.22931G>A (p.Arg7644Gln)

Gene: TTN (titin; minus strand). Cytogenetic location: 2q31.2.
Variant type: single nucleotide variant.
Coding change: c.22931G>A on transcript NM_001267550.2 (MANE Select); coding-DNA position 22931, G replaced by A.
Protein change: p.Arg7644Gln; replaces arginine 7644 with glutamine.
Molecular consequence: missense variant. On other transcripts: intron variant (3).
Genome position (GRCh38, 1-based): chr2:178,721,088, C>T on the plus strand (G>A on the coding strand, the complement: TTN is on the minus strand). VCF-style: chr2-178721088-C-T. GRCh37 (hg19) VCF-style: chr2-179585815-C-T.
Other names: c.21980G>A, p.Arg7327Gln (NM_001256850.1); c.19199G>A, p.Arg6400Gln (NM_133378.4); c.13282+16994G>A (NM_003319.4); c.13858+16994G>A (NM_133437.4); c.13657+16994G>A (NM_133432.3); short protein forms R7644Q, R6400Q, R7327Q.
Identifiers: ClinVar variation 405061 (VCV000405061.11), dbSNP rs766675017, ClinGen allele CA2000744.

ClinVar aggregate classification (germline): Uncertain significance. Review status: criteria provided, multiple submitters, no conflicts (2 of 4 stars). 3 submissions from 3 submitters: Uncertain significance (3). Last evaluated 2021-03-08.

Conditions:
Dilated cardiomyopathy 1G (CMD1G). Identifiers: Orphanet 154, MedGen C1858763, MONDO:0011400, OMIM 604145.
Autosomal recessive limb-girdle muscular dystrophy type 2J (LGMDR10). Also called: Limb-girdle muscular dystrophy, type 2J; MUSCULAR DYSTROPHY, LIMB-GIRDLE, AUTOSOMAL RECESSIVE 10. Identifiers: Orphanet 140922, MedGen C1837342, MONDO:0012127, OMIM 608807.

Allele frequency attached by ClinVar (database versions not stated): gnomAD 0.00002; gnomAD exomes 0.00002 and 0.00008; TOPMed 0.00004; ExAC 0.00006.

Submissions (3):

Revvity Omics, Revvity
Classification: Uncertain significance. Last evaluated: 2021-03-08. Review status: criteria provided, single submitter. Criteria: ACMG Guidelines, 2015. Collection method: clinical testing. Allele origin: germline.

Labcorp Genetics (formerly Invitae), Labcorp
Classification: Uncertain significance for Dilated cardiomyopathy 1G; Autosomal recessive limb-girdle muscular dystrophy type 2J. Last evaluated: 2020-11-24. Review status: criteria provided, single submitter. Criteria: Invitae Variant Classification Sherloc (09022015). Collection method: clinical testing. Allele origin: germline.
Comment: This sequence change replaces arginine with glutamine at codon 7644 of the TTN protein (p.Arg7644Gln). There is a small physicochemical difference between arginine and glutamine. This variant is present in population databases (rs766675017, ExAC 0.03%). This variant has been observed in individual(s) with clinical features of limb-girdle muscular dystrophy (Invitae). This variant is located in the I band of TTN (PMID: 25589632). Variants in this region may be relevant for neuromuscular disorders, but have not been definitively shown to cause cardiomyopathy (PMID: 23975875). Algorithms developed to predict the effect of missense changes on protein structure and function are unavailable for the TTN gene. In summary, the available evidence is currently insufficient to determine the role of this variant in disease. Therefore, it has been classified as a Variant of Uncertain Significance.

Eurofins Ntd Llc (ga)
Classification: Uncertain significance. Last evaluated: 2017-10-20. Review status: criteria provided, single submitter. Criteria: EGL Classification Definitions 2015. Collection method: clinical testing. Allele origin: germline. Observed: 1 variant allele, 1 heterozygote.

Literature cited by the submitters: PubMed 25589632 (cited by Labcorp Genetics (formerly Invitae), Labcorp); PubMed 23975875 (cited by Labcorp Genetics (formerly Invitae), Labcorp).